The following is an entry in ClinVar:

NM_022095.4(ZNF335):c.1063del (p.Arg355fs)

Gene: ZNF335 (zinc finger protein 335; minus strand). Cytogenetic location: 20q13.12.
Variant type: Deletion.
Coding change: c.1063del on transcript NM_022095.4 (MANE Select); coding-DNA position 1063, one base deleted (C; older notation c.1063delC).
Protein change: p.Arg355fs; shifts the reading frame from arginine 355.
Molecular consequence: frameshift variant.
Genome position (GRCh38, 1-based): chr20:45,965,667, G deleted on the plus strand (C on the coding strand, the reverse complement: ZNF335 is on the minus strand); the first of 4 consecutive G bases (chr20:45,965,667-45,965,670); deleting any one gives the same sequence. VCF-style (leftmost placement, unchanged base first): chr20-45965666-CG-C. GRCh37 (hg19) VCF-style: chr20-44594305-CG-C.
Other names: short protein forms R355fs.
Identifiers: ClinVar variation 3357841 (VCV003357841.1).
Genomic context (GRCh38, chr20:45,965,666, plus strand): 5'-CCCTCCCAAGACCAAGCCTCACCATCTGGGAGGTCTGAGATCTCCAGGCGGGGCAGCTTC[CG>C]GGGCCGGCCAGGTCTCCTTCGGGGCCTTGGGGTACTGGGGGTGGGGCGCTGGAGCCGAAG-3'

ClinVar aggregate classification (germline): Likely pathogenic (0 of 4 stars; one submission).

Conditions:
ZNF335-related disorder. Also called: ZNF335-related condition.

Submission:

PreventionGenetics, part of Exact Sciences
Classification: Likely pathogenic for ZNF335-related condition. Last evaluated: 2024-03-26. Review status: no assertion criteria provided. Collection method: clinical testing. Allele origin: germline.
Comment: The ZNF335 c.1063delC variant is predicted to result in a frameshift and premature protein termination (p.Arg355Glyfs*20). To our knowledge, this variant has not been reported in the literature or in a large population database, indicating this variant is rare. Frameshift variants in ZNF335 are expected to be pathogenic. This variant is interpreted as likely pathogenic.